The following is an entry in ClinVar:

NM_020964.3(EPG5):c.5213C>T (p.Ala1738Val)

Gene: EPG5 (ectopic P-granules 5 autophagy tethering factor; minus strand). Cytogenetic location: 18q12.3.
Variant type: single nucleotide variant.
Coding change: c.5213C>T on transcript NM_020964.3 (MANE Select); coding-DNA position 5213, C replaced by T.
Protein change: p.Ala1738Val; replaces alanine 1738 with valine.
Molecular consequence: missense variant.
Genome position (GRCh38, 1-based): chr18:45,884,708, G>A on the plus strand (C>T on the coding strand, the complement: EPG5 is on the minus strand). VCF-style: chr18-45884708-G-A. GRCh37 (hg19) VCF-style: chr18-43464673-G-A.
Other names: short protein forms A1738V.
Identifiers: ClinVar variation 1384726 (VCV001384726.9), dbSNP rs768237272, ClinGen allele CA8948645.

ClinVar aggregate classification (germline): Uncertain significance (1 of 4 stars; one submission).

Conditions:
Vici syndrome (VICIS). Identifiers: Orphanet 1493, MedGen C1855772, MONDO:0009452, OMIM 242840.

Allele frequency attached by ClinVar (database versions not stated): gnomAD exomes 0.00001 and 0.00002; ExAC 0.00002.
gnomAD v4.1: 4 of 1,611,894 alleles (0.00025%); highest among the groups gnomAD compares: South Asian, 0.0033%; no homozygotes.

Submission:

Labcorp Genetics (formerly Invitae), Labcorp
Classification: Uncertain significance for Vici syndrome. Last evaluated: 2020-11-19. Review status: criteria provided, single submitter. Criteria: Invitae Variant Classification Sherloc (09022015). Collection method: clinical testing. Allele origin: germline.
Comment: In summary, the available evidence is currently insufficient to determine the role of this variant in disease. Therefore, it has been classified as a Variant of Uncertain Significance. Algorithms developed to predict the effect of missense changes on protein structure and function (SIFT, PolyPhen-2, Align-GVGD) all suggest that this variant is likely to be tolerated, but these predictions have not been confirmed by published functional studies and their clinical significance is uncertain. This variant has not been reported in the literature in individuals with EPG5-related conditions. This variant is present in population databases (rs768237272, ExAC 0.01%). This sequence change replaces alanine with valine at codon 1738 of the EPG5 protein (p.Ala1738Val). The alanine residue is highly conserved and there is a small physicochemical difference between alanine and valine.